The following is an entry in ClinVar:

NM_133433.4(NIPBL):c.3844T>G (p.Leu1282Val)

Gene: NIPBL (NIPBL cohesin loading factor; plus strand). Cytogenetic location: 5p13.2.
Variant type: single nucleotide variant.
Coding change: c.3844T>G on transcript NM_133433.4 (MANE Select); coding-DNA position 3844, T replaced by G.
Protein change: p.Leu1282Val; replaces leucine 1282 with valine.
Molecular consequence: missense variant.
Genome position (GRCh38, 1-based): chr5:37,003,336, T>G. VCF-style: chr5-37003336-T-G. GRCh37 (hg19) VCF-style: chr5-37003438-T-G.
Other names: c.3844T>G, p.Leu1282Val (NM_015384.5); short protein forms L1282V.
Identifiers: ClinVar variation 3635345 (VCV003635345.2).

ClinVar aggregate classification (germline): Uncertain significance (1 of 4 stars; one submission).

Conditions:
Cornelia de Lange syndrome 1 (CDLS1). Also called: Brachmann de Lange syndrome; NIPBL-Related Cornelia de Lange Syndrome; TYPUS DEGENERATIVUS AMSTELODAMENSIS. Identifiers: Orphanet 199, MedGen C4551851, MONDO:0007387, OMIM 122470.

Submission:

Labcorp Genetics (formerly Invitae), Labcorp
Classification: Uncertain significance for Cornelia de Lange syndrome 1. Last evaluated: 2025-02-24. Review status: criteria provided, single submitter. Criteria: Invitae Variant Classification Sherloc (09022015). Collection method: clinical testing. Allele origin: germline.
Comment: This sequence change replaces leucine, which is neutral and non-polar, with valine, which is neutral and non-polar, at codon 1282 of the NIPBL protein (p.Leu1282Val). This variant is not present in population databases (gnomAD no frequency). This variant has not been reported in the literature in individuals affected with NIPBL-related conditions. Invitae Evidence Modeling of protein sequence and biophysical properties (such as structural, functional, and spatial information, amino acid conservation, physicochemical variation, residue mobility, and thermodynamic stability) indicates that this missense variant is not expected to disrupt NIPBL protein function with a negative predictive value of 95%. In summary, the available evidence is currently insufficient to determine the role of this variant in disease. Therefore, it has been classified as a Variant of Uncertain Significance.